The following is an entry in ClinVar:

NM_001347721.2(DYRK1A):c.2093A>G (p.Asn698Ser)

Gene: DYRK1A (dual specificity tyrosine phosphorylation regulated kinase 1A; plus strand). Cytogenetic location: 21q22.13.
Variant type: single nucleotide variant.
Coding change: c.2093A>G on transcript NM_001347721.2 (MANE Select); coding-DNA position 2093, A replaced by G.
Protein change: p.Asn698Ser; replaces asparagine 698 with serine.
Molecular consequence: missense variant. On other transcripts: 3 prime UTR variant (2).
Genome position (GRCh38, 1-based): chr21:37,512,359, A>G. VCF-style: chr21-37512359-A-G. GRCh37 (hg19) VCF-style: chr21-38884662-A-G.
Other names: c.2093A>G, p.Asn698Ser (NM_001347722.2, NM_130436.2); c.2006A>G, p.Asn669Ser (NM_001347723.2); c.2120A>G, p.Asn707Ser (NM_001396.5); c.*496A>G (NM_101395.2); c.*405A>G (NM_130438.2); short protein forms N707S, N669S, N698S.
Identifiers: ClinVar variation 539567 (VCV000539567.13), dbSNP rs151303959, ClinGen allele CA10024163.

ClinVar aggregate classification (germline): Conflicting classifications of pathogenicity. Review status: criteria provided, conflicting classifications (1 of 4 stars). 2 submissions from 2 submitters: Uncertain significance (1); Likely benign (1). Last evaluated 2024-06-10.

Conditions:
Inborn genetic diseases. Identifiers: MedGen C0950123, MeSH D030342.
DYRK1A-related intellectual disability syndrome (MRD7). Also called: Intellectual developmental disorder, autosomal dominant 7; DYRK1A Syndrome. Identifiers: Orphanet 464306, MedGen C5568143, MONDO:0013578, OMIM 614104.

Allele frequency attached by ClinVar (database versions not stated): ExAC 0.00002; gnomAD 0.00003 and 0.00004; TOPMed 0.00003; gnomAD exomes 0.00004; ESP Exome Variant Server 0.00008; 1000 Genomes Project 30x 0.00016; 1000 Genomes Project 0.00020.
gnomAD v4.1: 30 of 1,614,226 alleles (0.0019%); highest among the groups gnomAD compares: African/African-American, 0.011%; no homozygotes.

Submissions (2):

Labcorp Genetics (formerly Invitae), Labcorp
Classification: Likely benign for DYRK1A-related intellectual disability syndrome. Last evaluated: 2024-06-10. Review status: criteria provided, single submitter. Criteria: Invitae Variant Classification Sherloc (09022015). Collection method: clinical testing. Allele origin: germline.

Ambry Genetics
Classification: Uncertain significance for Inborn genetic diseases. Last evaluated: 2018-10-11. Review status: criteria provided, single submitter. Criteria: Ambry Variant Classification Scheme 2023. Collection method: clinical testing. Allele origin: germline.
Comment: The p.N707S variant (also known as c.2120A>G), located in coding exon 11 of the DYRK1A gene, results from an A to G substitution at nucleotide position 2120. The asparagine at codon 707 is replaced by serine, an amino acid with highly similar properties. This amino acid position is highly conserved in available vertebrate species. In addition, this alteration is predicted to be tolerated by in silico analysis. Since supporting evidence is limited at this time, the clinical significance of this alteration remains unclear.